The following is an entry in ClinVar:

ClinVar aggregate classification (germline): Uncertain significance. Review status: criteria provided, single submitter (1 of 4 stars). 2 submissions from 2 submitters: Uncertain significance (1). 1 of the submissions does not count toward it. Last evaluated 2021-09-01.

Conditions:
Charcot-Marie-Tooth disease type 4. Also called: Charcot-Marie-Tooth, Type 4; Charcot-Marie-Tooth disease, type IV. Identifiers: Orphanet 64749, MedGen C4082197, MONDO:0018995.
Charcot-Marie-Tooth disease type 4D. Also called: CHARCOT-MARIE-TOOTH DISEASE, DEMYELINATING, TYPE 4D; CHARCOT-MARIE-TOOTH DISEASE, DEMYELINATING, AUTOSOMAL RECESSIVE, TYPE 4D; NEUROPATHY, HEREDITARY MOTOR AND SENSORY, LOM TYPE; Charcot-Marie-Tooth Neuropathy Type 4D. Identifiers: Orphanet 99950, MedGen C1832334, MONDO:0011085, OMIM 601455.

Allele frequency attached by ClinVar (database versions not stated): ExAC 0.00001; gnomAD 0.00001; gnomAD exomes 0.00001; TOPMed 0.00001; ESP Exome Variant Server 0.00008.
gnomAD v4.1: 22 of 1,613,978 alleles (0.0014%); highest among the groups gnomAD compares: Non-Finnish European, 0.0017%; no homozygotes.

Submissions (2):

Labcorp Genetics (formerly Invitae), Labcorp
Classification: Uncertain significance for Charcot-Marie-Tooth disease type 4. Last evaluated: 2021-09-01. Review status: criteria provided, single submitter. Criteria: Invitae Variant Classification Sherloc (09022015). Collection method: clinical testing. Allele origin: germline.
Comment: This sequence change replaces tyrosine with histidine at codon 73 of the NDRG1 protein (p.Tyr73His). The tyrosine residue is weakly conserved and there is a moderate physicochemical difference between tyrosine and histidine. This variant is present in population databases (rs368584363, ExAC 0.001%). This variant has not been reported in the literature in individuals affected with NDRG1-related conditions. Algorithms developed to predict the effect of missense changes on protein structure and function are either unavailable or do not agree on the potential impact of this missense change (SIFT: "Deleterious"; PolyPhen-2: "Possibly Damaging"; Align-GVGD: "Class C0"). In summary, the available evidence is currently insufficient to determine the role of this variant in disease. Therefore, it has been classified as a Variant of Uncertain Significance.

Natera, Inc.
Classification: Uncertain significance for Charcot-Marie-Tooth disease type 4D. Last evaluated: 2021-07-24. Review status: no assertion criteria provided. Collection method: clinical testing. Allele origin: germline. Not counted in ClinVar's aggregate classification.

NM_006096.4(NDRG1):c.217T>C (p.Tyr73His)

Gene: NDRG1 (N-myc downstream regulated 1; minus strand). Cytogenetic location: 8q24.22.
Variant type: single nucleotide variant.
Coding change: c.217T>C on transcript NM_006096.4 (MANE Select); coding-DNA position 217, T replaced by C.
Protein change: p.Tyr73His; replaces tyrosine 73 with histidine.
Molecular consequence: missense variant. On other transcripts: 5 prime UTR variant (1).
Genome position (GRCh38, 1-based): chr8:133,262,156, A>G on the plus strand (T>C on the coding strand, the complement: NDRG1 is on the minus strand). VCF-style: chr8-133262156-A-G. GRCh37 (hg19) VCF-style: chr8-134274399-A-G.
Other names: c.217T>C, p.Tyr73His (NM_001135242.2, NM_001374844.1, NM_001374845.1 and 1 more transcripts); c.19T>C, p.Tyr7His (NM_001258432.2, NM_001374847.1); c.-27T>C (NM_001258433.2); short protein forms Y7H, Y73H.
Identifiers: ClinVar variation 837836 (VCV000837836.5), dbSNP rs368584363, ClinGen allele CA4886843.